The following is an entry in ClinVar:

NM_001083961.2(WDR62):c.2211-4G>A

Gene: WDR62 (WD repeat domain 62; plus strand). Cytogenetic location: 19q13.12.
Variant type: single nucleotide variant.
Coding change: c.2211-4G>A on transcript NM_001083961.2 (MANE Select); 4 bases into the intron before coding-DNA position 2211, G replaced by A.
Molecular consequence: intron variant.
Genome position (GRCh38, 1-based): chr19:36,092,685, G>A. VCF-style: chr19-36092685-G-A. GRCh37 (hg19) VCF-style: chr19-36583587-G-A.
Other names: c.2211-4G>A (NM_173636.5).
Identifiers: ClinVar variation 160262 (VCV000160262.34), dbSNP rs202109439, ClinGen allele CA173908.
Genomic context (GRCh38, chr19:36,092,685, plus strand): 5'-CCACGGCAGCGGCTCCCATGCTTACTCTTCCTCTGCCTTGTGTGTCTCTCTTTGACCTCC[G>A]CAGCTGCGTGTTCATCTGGCACCTGGGCCCGGAGATCACCAACTGCATGAAGCAGCACTT-3'

ClinVar aggregate classification (germline): Conflicting classifications of pathogenicity. Review status: criteria provided, conflicting classifications (1 of 4 stars). 9 submissions from 9 submitters: Uncertain significance (3); Likely benign (5). 1 of the submissions does not count toward it. Last evaluated 2026-08-01.

Conditions:
Inborn genetic diseases. Identifiers: MedGen C0950123, MeSH D030342.
Microcephaly 2, primary, autosomal recessive, with or without cortical malformations. Also called: MICROCEPHALY 2, PRIMARY, AUTOSOMAL RECESSIVE, WITH CORTICAL MALFORMATIONS; WDR62 Primary Microcephaly. Identifiers: Orphanet 2512, MedGen C1858535, MONDO:0011435, OMIM 604317.
Intellectual disability. Also called: intellectual disabilities; Intellectual functioning disability; Intellectual developmental disorder. Identifiers: MedGen C3714756, MeSH D008607, MONDO:0001071, HP:0001249.

Allele frequency attached by ClinVar (database versions not stated): ExAC 0.00045; gnomAD exomes 0.00051; ESP Exome Variant Server 0.00054; 1000 Genomes Project 0.00060; 1000 Genomes Project 30x 0.00062; TOPMed 0.00068; gnomAD 0.00096.
gnomAD v4.1: 1,644 of 1,614,046 alleles (0.1%); highest among the groups gnomAD compares: Non-Finnish European, 0.12%; 1 homozygote.

Submissions (9):

CeGaT Center for Human Genetics Tuebingen
Classification: Likely benign. Last evaluated: 2026-08-01. Review status: criteria provided, single submitter. Criteria: CeGaT Center For Human Genetics Tuebingen Variant Classification Criteria Version 2. Collection method: clinical testing. Allele origin: germline. Affected: yes. Observed: 2 variant alleles.
Comment: WDR62: BP4

Labcorp Genetics (formerly Invitae), Labcorp
Classification: Likely benign. Last evaluated: 2025-12-25. Review status: criteria provided, single submitter. Criteria: Invitae Variant Classification Sherloc (09022015). Collection method: clinical testing. Allele origin: germline.

Blueprint Genetics
Classification: Likely benign. Last evaluated: 2024-11-27. Review status: criteria provided, single submitter. Criteria: ACMG Guidelines, 2015. Collection method: clinical testing. Allele origin: germline.

Ambry Genetics
Classification: Uncertain significance for Inborn genetic diseases. Last evaluated: 2021-10-06. Review status: criteria provided, single submitter. Criteria: Ambry Variant Classification Scheme 2023. Collection method: clinical testing. Allele origin: germline.
Comment: The c.2211-4G>A intronic alteration consists of a G to A substitution 4 nucleotides before exon 19 of the WDR62 gene. Based on insufficient or conflicting evidence, the clinical significance of this alteration remains unclear.

GeneDx
Classification: Likely benign. Last evaluated: 2021-02-20. Review status: criteria provided, single submitter. Criteria: GeneDx Variant Classification Process June 2021. Collection method: clinical testing. Allele origin: germline. Affected: yes.

Illumina Laboratory Services, Illumina
Classification: Uncertain significance for Microcephaly 2, primary, autosomal recessive, with or without cortical malformations. Last evaluated: 2018-01-13. Review status: criteria provided, single submitter. Criteria: ICSL Variant Classification Criteria 13 December 2019. Collection method: clinical testing. Allele origin: germline.

Eurofins Ntd Llc (ga)
Classification: Uncertain significance. Last evaluated: 2015-11-24. Review status: criteria provided, single submitter. Criteria: EGL Classification Definitions 2015. Collection method: clinical testing. Allele origin: germline. Observed: 1 variant allele, 1 heterozygote.

Genetic Services Laboratory, University of Chicago
Classification: Likely benign. Last evaluated: 2013-07-08. Review status: criteria provided, single submitter. Criteria: ACMG Guidelines, 2007. Collection method: clinical testing. Allele origin: germline. Inheritance: Autosomal recessive inheritance.
Comment: Likely benign based on allele frequency in 1000 Genomes Project or ESP global frequency and its presence in a patient with a rare or unrelated disease phenotype. NOT Sanger confirmed

Centre de Biologie Pathologie Génétique, Centre Hospitalier Universitaire de Lille
Classification: Uncertain significance for Intellectual disability. Last evaluated: 2019-01-01. Review status: no assertion criteria provided. Collection method: clinical testing. Allele origin: unknown. Affected: yes. Not counted in ClinVar's aggregate classification.